The following is an entry in ClinVar:

ClinVar aggregate classification (germline): Uncertain significance (1 of 4 stars; one submission).

Conditions:
DOCK2 deficiency. Also called: Immunodeficiency 40. Identifiers: Orphanet 447737, MedGen C4225328, MONDO:0014637, OMIM 616433.

Submission:

Labcorp Genetics (formerly Invitae), Labcorp
Classification: Uncertain significance for DOCK2 deficiency. Last evaluated: 2022-04-11. Review status: criteria provided, single submitter. Criteria: Invitae Variant Classification Sherloc (09022015). Collection method: clinical testing. Allele origin: germline.
Comment: In summary, the available evidence is currently insufficient to determine the role of this variant in disease. Therefore, it has been classified as a Variant of Uncertain Significance. Algorithms developed to predict the effect of missense changes on protein structure and function are either unavailable or do not agree on the potential impact of this missense change (SIFT: "Tolerated"; PolyPhen-2: "Probably Damaging"; Align-GVGD: "Class C0"). This variant has not been reported in the literature in individuals affected with DOCK2-related conditions. This variant is not present in population databases (gnomAD no frequency). This sequence change replaces lysine, which is basic and polar, with glutamic acid, which is acidic and polar, at codon 1226 of the DOCK2 protein (p.Lys1226Glu).

NM_004946.3(DOCK2):c.3676A>G (p.Lys1226Glu)

Gene: DOCK2 (dedicator of cytokinesis 2; plus strand). Cytogenetic location: 5q35.1.
Variant type: single nucleotide variant.
Coding change: c.3676A>G on transcript NM_004946.3 (MANE Select); coding-DNA position 3676, A replaced by G.
Protein change: p.Lys1226Glu; replaces lysine 1226 with glutamic acid.
Molecular consequence: missense variant. On other transcripts: non-coding transcript variant (1).
Genome position (GRCh38, 1-based): chr5:170,041,065, A>G. VCF-style: chr5-170041065-A-G. GRCh37 (hg19) VCF-style: chr5-169468069-A-G.
Other names: short protein forms K1226E.
Identifiers: ClinVar variation 2124754 (VCV002124754.4), dbSNP rs2532452454, ClinGen allele CA362108322.